The following is an entry in ClinVar:

ClinVar aggregate classification (germline): Uncertain significance. Review status: criteria provided, multiple submitters, no conflicts (2 of 4 stars). 2 submissions from 2 submitters: Uncertain significance (2). Last evaluated 2026-03-23.

Conditions:
LAMA2-related muscular dystrophy (LAMA2-RD). Also called: Laminin alpha 2-related dystrophy. Identifiers: MedGen C5679788, MONDO:0100228.

Allele frequency attached by ClinVar (database versions not stated): gnomAD exomes below 0.00001.
gnomAD v4.1: 1 of 1,613,466 alleles (0.000062%); highest among the groups gnomAD compares: East Asian, 0.0022%; no homozygotes.

Submissions (2):

Women's Health and Genetics/Laboratory Corporation of America, LabCorp
Classification: Uncertain significance. Last evaluated: 2026-03-23. Review status: criteria provided, single submitter. Criteria: LabCorp Variant Classification Summary - May 2015. Collection method: clinical testing. Allele origin: germline.
Comment: Variant summary: LAMA2 c.1475T>C (p.Val492Ala) results in a non-conservative amino acid change in the encoded protein sequence. Algorithms developed to predict the effect of missense changes on protein structure and function all suggest that this variant is likely to be disruptive. The variant allele was found at a frequency of 8e-06 in 250984 control chromosomes. The available data on variant occurrences in the general population are insufficient to allow any conclusion about variant significance. To our knowledge, no occurrence of c.1475T>C in individuals affected with LAMA2-related conditions and no experimental evidence demonstrating its impact on protein function have been reported. ClinVar contains an entry for this variant (Variation ID: 1913789). Based on the evidence outlined above, the variant was classified as uncertain significance.

Labcorp Genetics (formerly Invitae), Labcorp
Classification: Uncertain significance for LAMA2-related muscular dystrophy. Last evaluated: 2024-02-24. Review status: criteria provided, single submitter. Criteria: Invitae Variant Classification Sherloc (09022015). Collection method: clinical testing. Allele origin: germline.
Comment: This sequence change replaces valine, which is neutral and non-polar, with alanine, which is neutral and non-polar, at codon 492 of the LAMA2 protein (p.Val492Ala). This variant is present in population databases (no rsID available, gnomAD 0.01%). This variant has not been reported in the literature in individuals affected with LAMA2-related conditions. ClinVar contains an entry for this variant (Variation ID: 1913789). Advanced modeling of protein sequence and biophysical properties (such as structural, functional, and spatial information, amino acid conservation, physicochemical variation, residue mobility, and thermodynamic stability) performed at Invitae indicates that this missense variant is not expected to disrupt LAMA2 protein function with a negative predictive value of 95%. In summary, the available evidence is currently insufficient to determine the role of this variant in disease. Therefore, it has been classified as a Variant of Uncertain Significance.

NM_000426.4(LAMA2):c.1475T>C (p.Val492Ala)

Gene: LAMA2 (laminin subunit alpha 2; plus strand). Cytogenetic location: 6q22.33.
Variant type: single nucleotide variant.
Coding change: c.1475T>C on transcript NM_000426.4 (MANE Select); coding-DNA position 1475, T replaced by C.
Protein change: p.Val492Ala; replaces valine 492 with alanine.
Molecular consequence: missense variant.
Genome position (GRCh38, 1-based): chr6:129,190,212, T>C. VCF-style: chr6-129190212-T-C. GRCh37 (hg19) VCF-style: chr6-129511357-T-C.
Other names: c.1475T>C, p.Val492Ala (NM_001079823.2); short protein forms V492A.
Identifiers: ClinVar variation 1913789 (VCV001913789.5), dbSNP rs1442239701, ClinGen allele CA365607775.
Genomic context (GRCh38, chr6:129,190,212, plus strand): 5'-AGCTCATAATGTTGAAGGATACCTCTGTTGCTGATACATCTCTTTATTTGCAGGAAAATG[T>C]TGAAGGAGGAGACTGTAGTCGTTGCAAATCCGGCTTCTTCAATTTGCAAGAGGATAATTG-3'
Protein context (NP_000417.3, residues 482-502): CFGPCICKEN[Val492Ala]EGGDCSRCKS